The following is an entry in ClinVar:

ClinVar aggregate classification (germline): Uncertain significance (1 of 4 stars; one submission).

Allele frequency attached by ClinVar (database versions not stated): TOPMed below 0.00001; gnomAD 0.00001.
gnomAD v4.1: 2 of 1,614,014 alleles (0.00012%); highest among the groups gnomAD compares: African/African-American, 0.0027%; no homozygotes.

Submission:

Labcorp Genetics (formerly Invitae), Labcorp
Classification: Uncertain significance. Last evaluated: 2022-06-30. Review status: criteria provided, single submitter. Criteria: Invitae Variant Classification Sherloc (09022015). Collection method: clinical testing. Allele origin: germline.
Comment: In summary, the available evidence is currently insufficient to determine the role of this variant in disease. Therefore, it has been classified as a Variant of Uncertain Significance. Algorithms developed to predict the effect of missense changes on protein structure and function are either unavailable or do not agree on the potential impact of this missense change (SIFT: "Deleterious"; PolyPhen-2: "Benign"; Align-GVGD: "Class C0"). This variant has not been reported in the literature in individuals affected with MCM5-related conditions. This variant is not present in population databases (gnomAD no frequency). This sequence change replaces aspartic acid, which is acidic and polar, with glutamic acid, which is acidic and polar, at codon 81 of the MCM5 protein (p.Asp81Glu).

NM_006739.4(MCM5):c.243T>A (p.Asp81Glu)

Gene: MCM5 (minichromosome maintenance complex component 5; plus strand). Cytogenetic location: 22q12.3.
Variant type: single nucleotide variant.
Coding change: c.243T>A on transcript NM_006739.4 (MANE Select); coding-DNA position 243, T replaced by A.
Protein change: p.Asp81Glu; replaces aspartic acid 81 with glutamic acid.
Molecular consequence: missense variant.
Genome position (GRCh38, 1-based): chr22:35,403,282, T>A. VCF-style: chr22-35403282-T-A. GRCh37 (hg19) VCF-style: chr22-35799275-T-A.
Other names: short protein forms D81E.
Identifiers: ClinVar variation 2012488 (VCV002012488.4), dbSNP rs1601751057, ClinGen allele CA411359462.